The following is an entry in ClinVar:

NM_001374385.1(ATP8B1):c.1604A>T (p.His535Leu)

Gene: ATP8B1 (ATPase phospholipid transporting 8B1; minus strand). Cytogenetic location: 18q21.31.
Variant type: single nucleotide variant.
Coding change: c.1604A>T on transcript NM_001374385.1 (MANE Select); coding-DNA position 1604, A replaced by T.
Protein change: p.His535Leu; replaces histidine 535 with leucine.
Molecular consequence: missense variant.
Genome position (GRCh38, 1-based): chr18:57,684,062, T>A on the plus strand (A>T on the coding strand, the complement: ATP8B1 is on the minus strand). VCF-style: chr18-57684062-T-A. GRCh37 (hg19) VCF-style: chr18-55351294-T-A.
Other names: c.1454A>T, p.His485Leu (NM_001374386.1); c.1604A>T, p.His535Leu (NM_005603.6); short protein forms H485L, H535L.
Identifiers: ClinVar variation 4846164 (VCV004846164.1).

ClinVar aggregate classification (germline): Uncertain significance (1 of 4 stars; one submission).

Conditions:
Familial intrahepatic cholestasis. Identifiers: Orphanet 284385, MedGen CN296401, MONDO:0017290.

Submission:

Genomenon, Inc
Classification: Uncertain significance for Familial intrahepatic cholestasis. Last evaluated: 2026-04-14. Review status: criteria provided, single submitter. Criteria: Genomenon Sequence Variant Interpretation Standards - Updated. Collection method: curation. Allele origin: germline. Affected: yes.
Comment: ATP8B1 p.His535Leu (c.1604A>T) is a missense variant that changes the amino acid at residue 535 from Histidine to Leucine. This variant has been observed in at least one proband with features of ATP8B1-deficiency (PMID:15239083). It is absent or not present at a significant frequency in gnomAD. In silico models predict that this variant is possibly or probably damaging. In conclusion, we classify ATP8B1 p.His535Leu (c.1604A>T) as a variant of uncertain significance.

Literature cited by the submitters: PubMed 15239083.